The following is an entry in ClinVar:

ClinVar aggregate classification (germline): Uncertain significance (1 of 4 stars; one submission).

Conditions:
Inborn genetic diseases. Identifiers: MedGen C0950123, MeSH D030342.

Submission:

Ambry Genetics
Classification: Uncertain significance for Inborn genetic diseases. Last evaluated: 2025-05-28. Review status: criteria provided, single submitter. Criteria: Ambry Variant Classification Scheme 2023. Collection method: clinical testing. Allele origin: germline.
Comment: The p.K568R variant (also known as c.1703A>G), located in coding exon 12 of the ASXL1 gene, results from an A to G substitution at nucleotide position 1703. The lysine at codon 568 is replaced by arginine, an amino acid with highly similar properties. This amino acid position is conserved. In addition, this alteration is predicted to be tolerated by in silico analysis. Based on the available evidence, the clinical significance of this variant remains unclear.

NM_015338.6(ASXL1):c.1703A>G (p.Lys568Arg)

Gene: ASXL1 (ASXL transcriptional regulator 1; plus strand). Cytogenetic location: 20q11.21.
Variant type: single nucleotide variant.
Coding change: c.1703A>G on transcript NM_015338.6 (MANE Select); coding-DNA position 1703, A replaced by G.
Protein change: p.Lys568Arg; replaces lysine 568 with arginine.
Molecular consequence: missense variant.
Genome position (GRCh38, 1-based): chr20:32,433,901, A>G. VCF-style: chr20-32433901-A-G. GRCh37 (hg19) VCF-style: chr20-31021704-A-G.
Other names: c.1520A>G, p.Lys507Arg (NM_001363734.1); short protein forms K568R, K507R.
Identifiers: ClinVar variation 3957367 (VCV003957367.1).